The following is an entry in ClinVar:

ClinVar aggregate classification (germline): Uncertain significance (1 of 4 stars; one submission).

Conditions:
Hereditary cancer-predisposing syndrome. Also called: Tumor predisposition; Neoplastic Syndromes, Hereditary; Hereditary Cancer Syndrome; Hereditary neoplastic syndrome. Identifiers: Orphanet 140162, MedGen C0027672, MeSH D009386, MONDO:0015356.

Submission:

Ambry Genetics
Classification: Uncertain significance for Hereditary cancer-predisposing syndrome. Last evaluated: 2024-10-31. Review status: criteria provided, single submitter. Criteria: Ambry Variant Classification Scheme 2023. Collection method: clinical testing. Allele origin: germline.
Comment: The p.G2141D variant (also known as c.6422G>A), located in coding exon 10 of the BRCA2 gene, results from a G to A substitution at nucleotide position 6422. The glycine at codon 2141 is replaced by aspartic acid, an amino acid with similar properties. This amino acid position is conserved. In addition, this alteration is predicted to be tolerated by in silico analysis. Based on the available evidence, the clinical significance of this variant remains unclear.

NM_000059.4(BRCA2):c.6422G>A (p.Gly2141Asp)

Gene: BRCA2 (BRCA2 DNA repair associated; plus strand). Cytogenetic location: 13q13.1.
Variant type: single nucleotide variant.
Coding change: c.6422G>A on transcript NM_000059.4 (MANE Select); coding-DNA position 6422, G replaced by A.
Protein change: p.Gly2141Asp; replaces glycine 2141 with aspartic acid.
Molecular consequence: missense variant. On other transcripts: non-coding transcript variant (1), intron variant (2).
Genome position (GRCh38, 1-based): chr13:32,340,777, G>A. VCF-style: chr13-32340777-G-A. GRCh37 (hg19) VCF-style: chr13-32914914-G-A.
Other names: c.6422G>A, p.Gly2141Asp (NM_001406719.1, NM_001406720.1, NM_001432077.1); c.1910-3781G>A (NM_001406721.1); c.425-3781G>A (NM_001406722.1); short protein forms G2141D.
Identifiers: ClinVar variation 3482159 (VCV003482159.1).
Genomic context (GRCh38, chr13:32,340,777, plus strand): 5'-AAATGGAAAAAACCTGCAGTAAAGAATTTAAATTATCAAATAACTTAAATGTTGAAGGTG[G>A]TTCTTCAGAAAATAATCACTCTATTAAAGTTTCTCCATATCTCTCTCAATTTCAACAAGA-3'
Protein context (NP_000050.3, residues 2131-2151): KLSNNLNVEG[Gly2141Asp]SSENNHSIKV